The following is an entry in ClinVar:

NM_001184880.2(PCDH19):c.671T>C (p.Leu224Pro)

Gene: PCDH19 (protocadherin 19; minus strand). Cytogenetic location: Xq22.1.
Variant type: single nucleotide variant.
Coding change: c.671T>C on transcript NM_001184880.2 (MANE Select); coding-DNA position 671, T replaced by C.
Protein change: p.Leu224Pro; replaces leucine 224 with proline.
Molecular consequence: missense variant.
Genome position (GRCh38, 1-based): chrX:100,407,927, A>G on the plus strand (T>C on the coding strand, the complement: PCDH19 is on the minus strand). VCF-style: chrX-100407927-A-G. GRCh37 (hg19) VCF-style: chrX-99662925-A-G.
Other names: c.671T>C, p.Leu224Pro (NM_001105243.2, NM_020766.3); short protein forms L224P.
Identifiers: ClinVar variation 1182517 (VCV001182517.2), dbSNP rs2147540985, ClinGen allele CA414008747.

ClinVar aggregate classification (germline): Likely pathogenic (1 of 4 stars; one submission).

Submission:

GeneDx
Classification: Likely pathogenic. Last evaluated: 2019-12-02. Review status: criteria provided, single submitter. Criteria: GeneDx Variant Classification Process June 2021. Collection method: clinical testing. Allele origin: germline. Affected: yes.
Comment: Not observed in large population cohorts (Lek et al., 2016); The majority of missense variants in this gene are considered pathogenic (Stenson et al., 2014); In silico analysis, which includes protein predictors and evolutionary conservation, supports a deleterious effect; Has not been previously published as pathogenic or benign to our knowledge; A different missense change at this residue (L224H) has been reported as pathogenic in the published literature in association with epilepsy (Trivisano et al., 2018)